The following is an entry in ClinVar:

ClinVar aggregate classification (germline): Conflicting classifications of pathogenicity. Review status: criteria provided, conflicting classifications (1 of 4 stars). 5 submissions from 5 submitters: Uncertain significance (4); Likely benign (1). Last evaluated 2025-12-23.

Conditions:
Epidermolysis bullosa simplex 5B, with muscular dystrophy (EBS5B). Also called: EPIDERMOLYSIS BULLOSA SIMPLEX AND LIMB-GIRDLE MUSCULAR DYSTROPHY; Epidermolysis bullosa simplex with muscular dystrophy. Identifiers: Orphanet 257, MedGen C2931072, MONDO:0009181, OMIM 226670.
Junctional epidermolysis bullosa with pyloric atresia. Also called: EPIDERMOLYSIS BULLOSA, JUNCTIONAL 5B, WITH PYLORIC ATRESIA; EB-PA-ACC; Epidermolysis bullosa, junctional, with pyloric atresia and aplasia cutis congenita; Epidermolysis bullosa junctionalis with pyloric atresia; ITGB4-Related Epidermolysis Bullosa with Pyloric Atresia; ITGA6-Related Epidermolysis Bullosa with Pyloric Atresia. Identifiers: Orphanet 79403, MedGen C5676875, MONDO:0009183, OMIM 226730.
Epidermolysis bullosa simplex, Ogna type (EBS5A). Also called: Pidermolysis bullosa simplex 5A, Ogna type; EPIDERMOLYSIS BULLOSA SIMPLEX 5A, OGNA TYPE. Identifiers: Orphanet 79401, MedGen C0432317, MONDO:0007555, OMIM 131950.
Autosomal recessive limb-girdle muscular dystrophy type 2Q (LGMDR17). Also called: MUSCULAR DYSTROPHY, LIMB-GIRDLE, AUTOSOMAL RECESSIVE 17. Identifiers: Orphanet 254361, MedGen C3150989, MONDO:0013390, OMIM 613723.
Epidermolysis bullosa simplex 5C, with pyloric atresia (EBS5C). Also called: Epidermolysis bullosa simplex with pyloric atresia; PLEC1-Related Epidermolysis Bullosa with Pyloric Atresia; PLEC-Related Epidermolysis Bullosa with Pyloric Atresia. Identifiers: Orphanet 158684, MedGen C2677349, MONDO:0012807, OMIM 612138.
Epidermolysis bullosa simplex with nail dystrophy (EBS5D). Identifiers: MedGen C4225309, MONDO:0014661, OMIM 616487.

Allele frequency attached by ClinVar (database versions not stated): gnomAD exomes 0.00003; gnomAD 0.00008 and 0.00010; TOPMed 0.00008; ExAC 0.00009; ESP Exome Variant Server 0.00016.
gnomAD v4.1: 85 of 1,593,818 alleles (0.0053%); highest among the groups gnomAD compares: East Asian, 0.0067%; no homozygotes.

Submissions (5):

Labcorp Genetics (formerly Invitae), Labcorp
Classification: Uncertain significance for Autosomal recessive limb-girdle muscular dystrophy type 2Q; Epidermolysis bullosa simplex, Ogna type; Epidermolysis bullosa simplex with nail dystrophy; Epidermolysis bullosa simplex 5C, with pyloric atresia; Epidermolysis bullosa simplex 5B, with muscular dystrophy. Last evaluated: 2025-12-23. Review status: criteria provided, single submitter. Criteria: Invitae Variant Classification Sherloc (09022015). Collection method: clinical testing. Allele origin: germline.
Comment: This sequence change replaces alanine, which is neutral and non-polar, with threonine, which is neutral and polar, at codon 3163 of the PLEC protein (p.Ala3163Thr). This variant is present in population databases (rs200680102, gnomAD 0.006%). This variant has not been reported in the literature in individuals affected with PLEC-related conditions. ClinVar contains an entry for this variant (Variation ID: 497013). An algorithm developed to predict the effect of missense changes on protein structure and function (PolyPhen-2) suggests that this variant is likely to be disruptive. In summary, the available evidence is currently insufficient to determine the role of this variant in disease. Therefore, it has been classified as a Variant of Uncertain Significance.

Revvity Omics, Revvity
Classification: Uncertain significance. Last evaluated: 2022-08-18. Review status: criteria provided, single submitter. Criteria: ACMG Guidelines, 2015. Collection method: clinical testing. Allele origin: germline.

GeneDx
Classification: Likely benign. Last evaluated: 2020-11-18. Review status: criteria provided, single submitter. Criteria: GeneDx Variant Classification Process June 2021. Collection method: clinical testing. Allele origin: germline. Affected: yes.
Comment: Not observed at a significant frequency in large population cohorts (Lek et al., 2016); Missense variant in a gene in which most reported pathogenic variants are truncating/loss-of-function; In silico analysis supports that this missense variant does not alter protein structure/function; Has not been previously published as pathogenic or benign to our knowledge

Fulgent Genetics
Classification: Uncertain significance for Epidermolysis bullosa simplex, Ogna type; Epidermolysis bullosa simplex 5B, with muscular dystrophy; Junctional epidermolysis bullosa with pyloric atresia; Epidermolysis bullosa simplex 5C, with pyloric atresia; Autosomal recessive limb-girdle muscular dystrophy type 2Q; Epidermolysis bullosa simplex with nail dystrophy. Last evaluated: 2018-10-31. Review status: criteria provided, single submitter. Criteria: ACMG Guidelines, 2015. Collection method: clinical testing. Allele origin: unknown.

Eurofins Ntd Llc (ga)
Classification: Uncertain significance. Last evaluated: 2017-01-12. Review status: criteria provided, single submitter. Criteria: EGL Classification Definitions 2015. Collection method: clinical testing. Allele origin: germline. Observed: 3 variant alleles, 2 heterozygotes.

NM_201384.3(PLEC):c.9406G>A (p.Ala3136Thr)

Gene: PLEC (plectin; minus strand). Cytogenetic location: 8q24.3.
Variant type: single nucleotide variant.
Coding change: c.9406G>A on transcript NM_201384.3 (MANE Select); coding-DNA position 9406, G replaced by A.
Protein change: p.Ala3136Thr; replaces alanine 3136 with threonine.
Molecular consequence: missense variant.
Genome position (GRCh38, 1-based): chr8:143,920,415, C>T on the plus strand (G>A on the coding strand, the complement: PLEC is on the minus strand). VCF-style: chr8-143920415-C-T. GRCh37 (hg19) VCF-style: chr8-144994583-C-T.
Other names: c.9310G>A, p.Ala3104Thr (NM_201381.3); c.9406G>A, p.Ala3136Thr (NM_201382.4); c.9418G>A, p.Ala3140Thr (NM_201383.3); c.9487G>A, p.Ala3163Thr (NM_000445.5); c.9364G>A, p.Ala3122Thr (NM_201378.4); c.9340G>A, p.Ala3114Thr (NM_201379.3); c.9817G>A, p.Ala3273Thr (NM_201380.4); short protein forms A3104T, A3114T, A3122T, A3136T, A3140T, A3163T, A3273T.
Identifiers: ClinVar variation 497013 (VCV000497013.19), dbSNP rs200680102, ClinGen allele CA4924979.